The following is an entry in ClinVar:

NM_030962.4(SBF2):c.4516T>G (p.Ser1506Ala)

Genes: SBF2 (SET binding factor 2; minus strand), SBF2-AS1 (SBF2 antisense RNA 1; plus strand). Cytogenetic location: 11p15.4.
Variant type: single nucleotide variant.
Coding change: c.4516T>G on transcript NM_030962.4 (MANE Select); coding-DNA position 4516, T replaced by G.
Protein change: p.Ser1506Ala; replaces serine 1506 with alanine.
Molecular consequence: missense variant.
Genome position (GRCh38, 1-based): chr11:9,795,885, A>C on the plus strand (T>G on the coding strand, the complement: SBF2 is on the minus strand). VCF-style: chr11-9795885-A-C. GRCh37 (hg19) VCF-style: chr11-9817432-A-C.
Other names: c.4612T>G, p.Ser1538Ala (NM_001386339.1); c.4387T>G, p.Ser1463Ala (NM_001386342.1); short protein forms S1463A, S1506A, S1538A.
Identifiers: ClinVar variation 1896172 (VCV001896172.2), dbSNP rs895141835, ClinGen allele CA217611934.

ClinVar aggregate classification (germline): Uncertain significance (1 of 4 stars; one submission).

Conditions:
Charcot-Marie-Tooth disease type 4. Also called: Charcot-Marie-Tooth, Type 4; Charcot-Marie-Tooth disease, type IV. Identifiers: Orphanet 64749, MedGen C4082197, MONDO:0018995.

Allele frequency attached by ClinVar (database versions not stated): gnomAD exomes below 0.00001; TOPMed 0.00001.
gnomAD v4.1: 3 of 1,613,810 alleles (0.00019%); highest among the groups gnomAD compares: Admixed American, 0.0033%; no homozygotes.

Submission:

Labcorp Genetics (formerly Invitae), Labcorp
Classification: Uncertain significance for Charcot-Marie-Tooth disease type 4. Last evaluated: 2022-01-27. Review status: criteria provided, single submitter. Criteria: Invitae Variant Classification Sherloc (09022015). Collection method: clinical testing. Allele origin: germline.
Comment: This sequence change replaces serine, which is neutral and polar, with alanine, which is neutral and non-polar, at codon 1506 of the SBF2 protein (p.Ser1506Ala). This variant is present in population databases (no rsID available, gnomAD 0.003%). This variant has not been reported in the literature in individuals affected with SBF2-related conditions. Algorithms developed to predict the effect of missense changes on protein structure and function are either unavailable or do not agree on the potential impact of this missense change (SIFT: "Tolerated"; PolyPhen-2: "Possibly Damaging"; Align-GVGD: "Class C0"). In summary, the available evidence is currently insufficient to determine the role of this variant in disease. Therefore, it has been classified as a Variant of Uncertain Significance.